The following is an entry in ClinVar:

NM_001287491.2(TET3):c.2470G>A (p.Glu824Lys)

Gene: TET3 (tet methylcytosine dioxygenase 3; plus strand). Cytogenetic location: 2p13.1.
Variant type: single nucleotide variant.
Coding change: c.2470G>A on transcript NM_001287491.2 (MANE Select); coding-DNA position 2470, G replaced by A.
Protein change: p.Glu824Lys; replaces glutamic acid 824 with lysine.
Molecular consequence: missense variant.
Genome position (GRCh38, 1-based): chr2:74,048,387, G>A. VCF-style: chr2-74048387-G-A. GRCh37 (hg19) VCF-style: chr2-74275514-G-A.
Other names: c.2191G>A, p.Glu731Lys (NM_001366022.1); short protein forms E731K, E824K.
Identifiers: ClinVar variation 4891537 (VCV004891537.1).
Genomic context (GRCh38, chr2:74,048,387, plus strand): 5'-AAGTACCTGGACACACCCACCAAGAGTCTGCTGGACACACCTGCCAAGAGAGCCCAGGCC[G>A]AGTTCCCCACCTGCGATTGCGTCGGTAAGTCCGCCTGGGTATCAGGGAAGGGCAGAGAAA-3'
Protein context (NP_001274420.1, residues 814-834): LDTPAKRAQA[Glu824Lys]FPTCDCVEQI

ClinVar aggregate classification (germline): Uncertain significance (1 of 4 stars; one submission).

Conditions:
Beck-Fahrner syndrome (BEFAHRS). Identifiers: Orphanet 684216, MedGen C5394097, MONDO:0032922, OMIM 618798.

Submission:

Clinical Genetics Laboratory, University Hospital Schleswig-Holstein
Classification: Uncertain significance for Beck-Fahrner syndrome. Last evaluated: 2025-12-10. Review status: criteria provided, single submitter. Criteria: ACMG Guidelines, 2015. Collection method: clinical testing. Allele origin: paternal. Affected: yes. Observed: 1 heterozygote.
Comment: ACMG criteria applied: PM2, PP3, BS4_Supporting